The following is an entry in ClinVar:

NM_002397.5(MEF2C):c.313G>A (p.Asp105Asn)

Gene: MEF2C (myocyte enhancer factor 2C; minus strand). Cytogenetic location: 5q14.3.
Variant type: single nucleotide variant.
Coding change: c.313G>A on transcript NM_002397.5 (MANE Select); coding-DNA position 313, G replaced by A.
Protein change: p.Asp105Asn; replaces aspartic acid 105 with asparagine.
Molecular consequence: missense variant. On other transcripts: 5 prime UTR variant (2), intron variant (10).
Genome position (GRCh38, 1-based): chr5:88,761,274, C>T on the plus strand (G>A on the coding strand, the complement: MEF2C is on the minus strand). VCF-style: chr5-88761274-C-T. GRCh37 (hg19) VCF-style: chr5-88057091-C-T.
Other names: c.313G>A, p.Asp105Asn (NM_001193347.1, NM_001193350.2, NM_001308002.3 and 20 more transcripts); c.-66G>A (NM_001364353.2, NM_001364356.2); c.259-9231G>A (NM_001364344.2, NM_001364354.2, NM_001364332.2 and 3 more transcripts); c.259-149G>A (NM_001131005.2, NM_001364352.2, NM_001364343.2); c.-24-9231G>A (NM_001364357.2); short protein forms D105N.
Identifiers: ClinVar variation 3695978 (VCV003695978.2).
Genomic context (GRCh38, chr5:88,761,274, plus strand): 5'-CAATATCTTCGTTAATTTTCCTGTACTTGTCCTCAGACTCAGGGCTGTGACCTACGGAAT[C>T]GTCCGCATCGGGGTCTGGGCTGTCACAGCCATTAAGGCCCTTCTTTCTCAACGTCTGAAA-3'
Protein context (NP_002388.2, residues 95-115): GCDSPDPDAD[Asp105Asn]SVGHSPESED

ClinVar aggregate classification (germline): Uncertain significance (1 of 4 stars; one submission).

Conditions:
Neurodevelopmental disorder with hypotonia, stereotypic hand movements, and impaired language. Also called: Intellectual disability, autosomal dominant 20. Identifiers: Orphanet 228384, Orphanet 664410, MedGen C3150700, MONDO:0013266, OMIM 613443.

Submission:

Labcorp Genetics (formerly Invitae), Labcorp
Classification: Uncertain significance for Neurodevelopmental disorder with hypotonia, stereotypic hand movements, and impaired language. Last evaluated: 2024-03-18. Review status: criteria provided, single submitter. Criteria: Invitae Variant Classification Sherloc (09022015). Collection method: clinical testing. Allele origin: germline.
Comment: This sequence change replaces aspartic acid, which is acidic and polar, with asparagine, which is neutral and polar, at codon 105 of the MEF2C protein (p.Asp105Asn). This variant is not present in population databases (gnomAD no frequency). This variant has not been reported in the literature in individuals affected with MEF2C-related conditions. An algorithm developed to predict the effect of missense changes on protein structure and function (PolyPhen-2) suggests that this variant is likely to be disruptive. In summary, the available evidence is currently insufficient to determine the role of this variant in disease. Therefore, it has been classified as a Variant of Uncertain Significance.